The following is an entry in ClinVar:

NM_001749.4(CAPNS1):c.135C>A (p.Gly45=)

Gene: CAPNS1 (calpain small subunit 1; plus strand). Cytogenetic location: 19q13.12.
Variant type: single nucleotide variant.
Coding change: c.135C>A on transcript NM_001749.4 (MANE Select); coding-DNA position 135, C replaced by A.
Protein change: p.Gly45=; no amino-acid change (glycine 45 retained).
Molecular consequence: synonymous variant. On other transcripts: 5 prime UTR variant (1).
Genome position (GRCh38, 1-based): chr19:36,141,146, C>A. VCF-style: chr19-36141146-C-A. GRCh37 (hg19) VCF-style: chr19-36632048-C-A.
Other names: c.135C>A, p.Gly45= (NM_001003962.3, NM_001302632.2); c.-546C>A (NM_001302633.2).
Identifiers: ClinVar variation 2649765 (VCV002649765.24), dbSNP rs1471616010, ClinGen allele CA507319022.

ClinVar aggregate classification (germline): Likely benign (1 of 4 stars; one submission).

Submission:

CeGaT Center for Human Genetics Tuebingen
Classification: Likely benign. Last evaluated: 2022-06-01. Review status: criteria provided, single submitter. Criteria: CeGaT Center For Human Genetics Tuebingen Variant Classification Criteria Version 2. Collection method: clinical testing. Allele origin: germline. Affected: yes. Observed: 1 variant allele.
Comment: CAPNS1: PM2:Supporting, BP4, BP7